The following is an entry in ClinVar:

ClinVar aggregate classification (germline): Uncertain significance. Review status: criteria provided, multiple submitters, no conflicts (2 of 4 stars). 2 submissions from 2 submitters: Uncertain significance (2). Last evaluated 2026-04-05.

Conditions:
Hereditary cancer-predisposing syndrome. Also called: Hereditary neoplastic syndrome; Neoplastic Syndromes, Hereditary; Tumor predisposition; Hereditary Cancer Syndrome. Identifiers: Orphanet 140162, MedGen C0027672, MeSH D009386, MONDO:0015356.
Rhabdoid tumor predisposition syndrome 2 (RTPS2). Identifiers: Orphanet 231108, Orphanet 69077, MedGen C2750074, MONDO:0013224, OMIM 613325.

Submissions (2):

Ambry Genetics
Classification: Uncertain significance for Hereditary cancer-predisposing syndrome. Last evaluated: 2026-04-05. Review status: criteria provided, single submitter. Criteria: Ambry Variant Classification Scheme 2023. Collection method: clinical testing. Allele origin: germline.
Comment: The p.E608K variant (also known as c.1822G>A), located in coding exon 11 of the SMARCA4 gene, results from a G to A substitution at nucleotide position 1822. The glutamic acid at codon 608 is replaced by lysine, an amino acid with similar properties. This amino acid position is conserved. In addition, the in silico prediction for this alteration is inconclusive. Based on the available evidence, the clinical significance of this variant remains unclear.

Labcorp Genetics (formerly Invitae), Labcorp
Classification: Uncertain significance for Rhabdoid tumor predisposition syndrome 2. Last evaluated: 2020-09-03. Review status: criteria provided, single submitter. Criteria: Invitae Variant Classification Sherloc (09022015). Collection method: clinical testing. Allele origin: germline.
Comment: This sequence change replaces glutamic acid with lysine at codon 608 of the SMARCA4 protein (p.Glu608Lys). The glutamic acid residue is highly conserved and there is a small physicochemical difference between glutamic acid and lysine. This variant is not present in population databases (ExAC no frequency). This variant has not been reported in the literature in individuals with SMARCA4-related conditions. Algorithms developed to predict the effect of missense changes on protein structure and function are either unavailable or do not agree on the potential impact of this missense change (SIFT: "Deleterious"; PolyPhen-2: "Benign"; Align-GVGD: "Class C55"). In summary, the available evidence is currently insufficient to determine the role of this variant in disease. Therefore, it has been classified as a Variant of Uncertain Significance.

NM_003072.5(SMARCA4):c.1822G>A (p.Glu608Lys)

Gene: SMARCA4 (SWI/SNF related BAF chromatin remodeling complex subunit ATPase 4; plus strand). Cytogenetic location: 19p13.2.
Variant type: single nucleotide variant.
Coding change: c.1822G>A on transcript NM_003072.5 (MANE Select); coding-DNA position 1822, G replaced by A.
Protein change: p.Glu608Lys; replaces glutamic acid 608 with lysine.
Molecular consequence: missense variant. On other transcripts: non-coding transcript variant (1).
Genome position (GRCh38, 1-based): chr19:11,003,038, G>A. VCF-style: chr19-11003038-G-A. GRCh37 (hg19) VCF-style: chr19-11113714-G-A.
Other names: c.1822G>A (NM_001128849.1); c.1822G>A, p.Glu608Lys (NM_001128844.3, NM_001128845.2, NM_001128846.2 and 4 more transcripts); short protein forms E608K.
Identifiers: ClinVar variation 1017617 (VCV001017617.9), dbSNP rs2087806416, ClinGen allele CA404051400.